The following is an entry in ClinVar:

NM_015978.3(TNNI3K):c.2432G>C (p.Gly811Ala)

Genes: FPGT-TNNI3K (FPGT-TNNI3K readthrough; plus strand), TNNI3K (TNNI3 interacting kinase; plus strand). Cytogenetic location: 1p31.1.
Variant type: single nucleotide variant.
Coding change: c.2432G>C on transcript NM_015978.3 (MANE Select); coding-DNA position 2432, G replaced by C.
Protein change: p.Gly811Ala; replaces glycine 811 with alanine.
Molecular consequence: missense variant.
Genome position (GRCh38, 1-based): chr1:74,543,906, G>C. VCF-style: chr1-74543906-G-C. GRCh37 (hg19) VCF-style: chr1-75009590-G-C.
Other names: c.2735G>C, p.Gly912Ala (NM_001112808.3); short protein forms G811A, G912A.
Identifiers: ClinVar variation 1512703 (VCV001512703.8), dbSNP rs375023664, ClinGen allele CA340799581.

ClinVar aggregate classification (germline): Uncertain significance (1 of 4 stars; one submission).

Allele frequency attached by ClinVar (database versions not stated): TOPMed below 0.00001.
gnomAD v4.1: 1 of 1,613,304 alleles (0.000062%); highest among the groups gnomAD compares: African/African-American, 0.0013%; no homozygotes.

Submission:

Labcorp Genetics (formerly Invitae), Labcorp
Classification: Uncertain significance. Last evaluated: 2022-05-12. Review status: criteria provided, single submitter. Criteria: Invitae Variant Classification Sherloc (09022015). Collection method: clinical testing. Allele origin: germline.
Comment: This variant has not been reported in the literature in individuals affected with TNNI3K-related conditions. In summary, the available evidence is currently insufficient to determine the role of this variant in disease. Therefore, it has been classified as a Variant of Uncertain Significance. Algorithms developed to predict the effect of sequence changes on RNA splicing suggest that this variant may disrupt the consensus splice site. Algorithms developed to predict the effect of missense changes on protein structure and function are either unavailable or do not agree on the potential impact of this missense change (SIFT: "Deleterious"; PolyPhen-2: "Possibly Damaging"; Align-GVGD: "Class C0"). This variant is not present in population databases (gnomAD no frequency). This sequence change replaces glycine, which is neutral and non-polar, with alanine, which is neutral and non-polar, at codon 811 of the TNNI3K protein (p.Gly811Ala).